The following is an entry in ClinVar:

ClinVar aggregate classification (germline): Uncertain significance (1 of 4 stars; one submission).

Allele frequency attached by ClinVar (database versions not stated): gnomAD exomes below 0.00001.
gnomAD v4.1: 6 of 1,613,998 alleles (0.00037%); highest among the groups gnomAD compares: Non-Finnish European, 0.00051%; no homozygotes.

Submission:

Labcorp Genetics (formerly Invitae), Labcorp
Classification: Uncertain significance. Last evaluated: 2023-08-30. Review status: criteria provided, single submitter. Criteria: Invitae Variant Classification Sherloc (09022015). Collection method: clinical testing. Allele origin: germline.
Comment: Advanced modeling of protein sequence and biophysical properties (such as structural, functional, and spatial information, amino acid conservation, physicochemical variation, residue mobility, and thermodynamic stability) performed at Invitae indicates that this missense variant is not expected to disrupt PUS3 protein function. In summary, the available evidence is currently insufficient to determine the role of this variant in disease. Therefore, it has been classified as a Variant of Uncertain Significance. ClinVar contains an entry for this variant (Variation ID: 2114947). This variant has not been reported in the literature in individuals affected with PUS3-related conditions. This variant is not present in population databases (gnomAD no frequency). This sequence change replaces threonine, which is neutral and polar, with isoleucine, which is neutral and non-polar, at codon 346 of the PUS3 protein (p.Thr346Ile).

NM_031307.4(PUS3):c.1037C>T (p.Thr346Ile)

Genes: HYLS1 (HYLS1 centriolar and ciliogenesis associated; plus strand), PUS3 (pseudouridine synthase 3; minus strand). Cytogenetic location: 11q24.2.
Variant type: single nucleotide variant.
Coding change: c.1037C>T on transcript NM_031307.4 (MANE Select); coding-DNA position 1037, C replaced by T.
Protein change: p.Thr346Ile; replaces threonine 346 with isoleucine.
Molecular consequence: missense variant. On other transcripts: intron variant (5).
Genome position (GRCh38, 1-based): chr11:125,894,194, G>A on the plus strand (C>T on the coding strand, the complement: PUS3 is on the minus strand). VCF-style: chr11-125894194-G-A. GRCh37 (hg19) VCF-style: chr11-125764089-G-A.
Other names: c.413C>T, p.Thr138Ile (NM_001271985.2); c.-81+2722G>A (NM_145014.3); c.-26+2722G>A (NM_001134793.2); c.-23+2722G>A (NM_001424364.1); c.-25-5150G>A (NM_001377269.1); c.-22-5153G>A (NM_001377270.1); short protein forms T138I, T346I.
Identifiers: ClinVar variation 2114947 (VCV002114947.4), dbSNP rs2497031977, ClinGen allele CA383197389.